The following is an entry in ClinVar:

ClinVar aggregate classification (germline): Uncertain significance (1 of 4 stars; one submission).

gnomAD v4.1: 38 of 1,614,124 alleles (0.0024%); highest among the groups gnomAD compares: East Asian, 0.02%; no homozygotes.

Submission:

GeneDx
Classification: Uncertain significance. Last evaluated: 2024-12-27. Review status: criteria provided, single submitter. Criteria: GeneDx Variant Classification Process June 2021. Collection method: clinical testing. Allele origin: germline. Affected: yes.
Comment: Has not been previously published as pathogenic or benign to our knowledge; In silico analysis supports that this missense variant has a deleterious effect on protein structure/function

NM_001846.4(COL4A2):c.289G>A (p.Gly97Arg)

Gene: COL4A2 (collagen type IV alpha 2 chain; plus strand). Cytogenetic location: 13q34.
Variant type: single nucleotide variant.
Coding change: c.289G>A on transcript NM_001846.4 (MANE Select); coding-DNA position 289, G replaced by A.
Protein change: p.Gly97Arg; replaces glycine 97 with arginine.
Molecular consequence: missense variant.
Genome position (GRCh38, 1-based): chr13:110,424,842, G>A. VCF-style: chr13-110424842-G-A. GRCh37 (hg19) VCF-style: chr13-111077189-G-A.
Other names: short protein forms G97R.
Identifiers: ClinVar variation 3907741 (VCV003907741.1).